The following is an entry in ClinVar:

ClinVar aggregate classification (germline): Pathogenic (1 of 4 stars; one submission).

Conditions:
Congenital myasthenic syndrome 8. Also called: Myasthenic syndrome, congenital, 8, with pre- and postsynaptic defects; MYASTHENIC SYNDROME, CONGENITAL, DUE TO AGRIN DEFICIENCY. Identifiers: Orphanet 590, MedGen C3808739, MONDO:0014052, OMIM 615120.

Submission:

Labcorp Genetics (formerly Invitae), Labcorp
Classification: Pathogenic for Congenital myasthenic syndrome 8. Last evaluated: 2025-06-15. Review status: criteria provided, single submitter. Criteria: Invitae Variant Classification Sherloc (09022015). Collection method: clinical testing. Allele origin: germline.
Comment: This sequence change creates a premature translational stop signal (p.Gly371Alafs*111) in the AGRN gene. It is expected to result in an absent or disrupted protein product. Loss-of-function variants in AGRN are known to be pathogenic (PMID: 24951643, 31730230, 39807604). This variant is not present in population databases (gnomAD no frequency). This variant has not been reported in the literature in individuals affected with AGRN-related conditions. For these reasons, this variant has been classified as Pathogenic.

Literature cited by the submitters: PubMed 24951643; PubMed 31730230; PubMed 39807604.

NM_198576.4(AGRN):c.1112del (p.Gly371fs)

Gene: AGRN (agrin; plus strand). Cytogenetic location: 1p36.33.
Variant type: Deletion.
Coding change: c.1112del on transcript NM_198576.4 (MANE Select); coding-DNA position 1112, one base deleted (G; older notation c.1112delG).
Protein change: p.Gly371fs; shifts the reading frame from glycine 371.
Molecular consequence: frameshift variant.
Genome position (GRCh38, 1-based): chr1:1,041,637, G deleted; the last of 3 consecutive G bases (chr1:1,041,635-1,041,637); deleting any one gives the same sequence. VCF-style (leftmost placement, unchanged base first): chr1-1041634-TG-T. GRCh37 (hg19) VCF-style: chr1-977014-TG-T.
Other names: c.1112del, p.Gly371fs (NM_001305275.2); c.797del, p.Gly266fs (NM_001364727.2); short protein forms G266fs, G371fs.
Identifiers: ClinVar variation 4743816 (VCV004743816.1).